The following is an entry in ClinVar:

NM_000660.7(TGFB1):c.380G>A (p.Ser127Asn)

Gene: TGFB1 (transforming growth factor beta 1; minus strand). Cytogenetic location: 19q13.2.
Variant type: single nucleotide variant.
Coding change: c.380G>A on transcript NM_000660.7 (MANE Select); coding-DNA position 380, G replaced by A.
Protein change: p.Ser127Asn; replaces serine 127 with asparagine.
Molecular consequence: missense variant.
Genome position (GRCh38, 1-based): chr19:41,348,431, C>T on the plus strand (G>A on the coding strand, the complement: TGFB1 is on the minus strand). VCF-style: chr19-41348431-C-T. GRCh37 (hg19) VCF-style: chr19-41854336-C-T.
Other names: short protein forms S127N.
Identifiers: ClinVar variation 3667586 (VCV003667586.3).
Genomic context (GRCh38, chr19:41,348,431, plus strand): 5'-GGTTCAGGTACCGCTTCTCGGAGCTCTGATGTGTTGAAGAACATATATATGCTGTGTGTA[C>T]TCTGCTTGAACTTGTCATAGATTTCTAGCAGGGAGAAATGAAGGGAGGCGATCAGGGGTT-3'
Protein context (NP_000651.3, residues 117-137): HNEIYDKFKQ[Ser127Asn]THSIYMFFNT

ClinVar aggregate classification (germline): Uncertain significance. Review status: criteria provided, multiple submitters, no conflicts (2 of 4 stars). 2 submissions from 2 submitters: Uncertain significance (2). Last evaluated 2026-08-06.

Conditions:
Camurati-Engelmann disease type 1. Also called: DIAPHYSEAL DYSPLASIA 1, PROGRESSIVE. Identifiers: MedGen CN379925, MONDO:0700385, OMIM 131300.

gnomAD v4.1: 1 of 1,613,242 alleles (0.000062%); no homozygotes.

Submissions (2):

OLLIN Analises Genomicas, OLLIN
Classification: Uncertain significance for Camurati-Engelmann disease type 1. Last evaluated: 2026-08-06. Review status: criteria provided, single submitter. Criteria: ACMG Guidelines 2015 PMID 25741868. Collection method: clinical testing. Allele origin: germline. Inheritance: Autosomal dominant inheritance.
Comment: This missense variant, located in exon 2 (of 7), has been reported in ClinVar (accession VCV001895796.5) and in gnomAD with an allele frequency of 0.000062%. However, to our knowledge, it has not been reported in the scientific literature. In silico analysis predicts that this variant has a tolerated effect. According to the currently available evidence, this variant has been classified as uncertain significance (PM2_P, BP4_M).

Labcorp Genetics (formerly Invitae), Labcorp
Classification: Uncertain significance. Last evaluated: 2024-08-10. Review status: criteria provided, single submitter. Criteria: Invitae Variant Classification Sherloc (09022015). Collection method: clinical testing. Allele origin: germline.
Comment: This sequence change replaces serine, which is neutral and polar, with asparagine, which is neutral and polar, at codon 127 of the TGFB1 protein (p.Ser127Asn). This variant is not present in population databases (gnomAD no frequency). This variant has not been reported in the literature in individuals affected with TGFB1-related conditions. Advanced modeling of protein sequence and biophysical properties (such as structural, functional, and spatial information, amino acid conservation, physicochemical variation, residue mobility, and thermodynamic stability) performed at Invitae indicates that this missense variant is not expected to disrupt TGFB1 protein function with a negative predictive value of 80%. In summary, the available evidence is currently insufficient to determine the role of this variant in disease. Therefore, it has been classified as a Variant of Uncertain Significance.